The following is an entry in ClinVar:

ClinVar aggregate classification (germline): Uncertain significance. Review status: criteria provided, multiple submitters, no conflicts (2 of 4 stars). 5 submissions from 5 submitters: Uncertain significance (3). 2 of the submissions do not count toward it. Last evaluated 2024-11-20.

Conditions:
HSPA9-related disorder. Also called: HSPA9-related condition.

Allele frequency attached by ClinVar (database versions not stated): ESP Exome Variant Server 0.00054; TOPMed 0.00028; ExAC 0.00033; gnomAD 0.00034; gnomAD exomes 0.00036.
gnomAD v4.1: 580 of 1,611,866 alleles (0.036%); highest among the groups gnomAD compares: Non-Finnish European, 0.046%; no homozygotes.

Submissions (5):

Blueprint Genetics
Classification: Uncertain significance. Last evaluated: 2024-11-20. Review status: criteria provided, single submitter. Criteria: ACMG Guidelines, 2015. Collection method: clinical testing. Allele origin: germline.

CeGaT Center for Human Genetics Tuebingen
Classification: Uncertain significance. Last evaluated: 2023-05-01. Review status: criteria provided, single submitter. Criteria: CeGaT Center For Human Genetics Tuebingen Variant Classification Criteria Version 2. Collection method: clinical testing. Allele origin: germline. Affected: yes. Observed: 1 variant allele.

Institute for Clinical Genetics, University Hospital TU Dresden, University Hospital TU Dresden
Classification: Uncertain significance. Last evaluated: 2021-11-03. Review status: criteria provided, single submitter. Criteria: ACMG Guidelines, 2015. Collection method: clinical testing. Allele origin: germline.

PreventionGenetics, part of Exact Sciences
Classification: Uncertain significance for HSPA9-related condition. Last evaluated: 2023-10-26. Review status: no assertion criteria provided. Collection method: clinical testing. Allele origin: germline. Not counted in ClinVar's aggregate classification.
Comment: The HSPA9 c.1426G>A variant is predicted to result in the amino acid substitution p.Ala476Thr. This variant was reported in an individual with sporadic Parkinson disease (Burbulla et al. 2010. PubMed ID: 20817635). This variant is reported in 0.080% of alleles in individuals of European (Non-Finnish) descent in gnomAD. At this time, the clinical significance of this variant is uncertain due to the absence of conclusive functional and genetic evidence.

OMIM
Classification: Uncertain significance for VARIANT OF UNKNOWN SIGNIFICANCE. Last evaluated: 2017-07-12. Review status: no assertion criteria provided. Collection method: literature only. Allele origin: germline. Not counted in ClinVar's aggregate classification.

Literature cited by the submitters: PubMed 20817635 (cited by OMIM); Hamosh, A. Personal Communication. 2017. Baltimore, Md. (cited by OMIM).

NM_004134.7(HSPA9):c.1426G>A (p.Ala476Thr)

Gene: HSPA9 (heat shock protein family A (Hsp70) member 9; minus strand). Cytogenetic location: 5q31.2.
Variant type: single nucleotide variant.
Coding change: c.1426G>A on transcript NM_004134.7 (MANE Select); coding-DNA position 1426, G replaced by A.
Protein change: p.Ala476Thr; replaces alanine 476 with threonine.
Molecular consequence: missense variant.
Genome position (GRCh38, 1-based): chr5:138,558,642, C>T on the plus strand (G>A on the coding strand, the complement: HSPA9 is on the minus strand). VCF-style: chr5-138558642-C-T. GRCh37 (hg19) VCF-style: chr5-137894331-C-T.
Other names: short protein forms A476T.
Identifiers: ClinVar variation 430651 (VCV000430651.30), dbSNP rs145860531, ClinGen allele CA3430780.